The following is an entry in ClinVar:

ClinVar aggregate classification (germline): Uncertain significance (1 of 4 stars; one submission).

Conditions:
Rhabdoid tumor predisposition syndrome 2 (RTPS2). Identifiers: Orphanet 231108, Orphanet 69077, MedGen C2750074, MONDO:0013224, OMIM 613325.

Submission:

Labcorp Genetics (formerly Invitae), Labcorp
Classification: Uncertain significance for Rhabdoid tumor predisposition syndrome 2. Last evaluated: 2023-10-03. Review status: criteria provided, single submitter. Criteria: Invitae Variant Classification Sherloc (09022015). Collection method: clinical testing. Allele origin: germline.
Comment: This sequence change replaces lysine, which is basic and polar, with glutamic acid, which is acidic and polar, at codon 1535 of the SMARCA4 protein (p.Lys1535Glu). This variant is not present in population databases (gnomAD no frequency). This variant has not been reported in the literature in individuals affected with SMARCA4-related conditions. Advanced modeling of protein sequence and biophysical properties (such as structural, functional, and spatial information, amino acid conservation, physicochemical variation, residue mobility, and thermodynamic stability) has been performed at Invitae for this missense variant, however the output from this modeling did not meet the statistical confidence thresholds required to predict the impact of this variant on SMARCA4 protein function. In summary, the available evidence is currently insufficient to determine the role of this variant in disease. Therefore, it has been classified as a Variant of Uncertain Significance.

NM_003072.5(SMARCA4):c.4507A>G (p.Lys1503Glu)

Gene: SMARCA4 (SWI/SNF related BAF chromatin remodeling complex subunit ATPase 4; plus strand). Cytogenetic location: 19p13.2.
Variant type: single nucleotide variant.
Coding change: c.4507A>G on transcript NM_003072.5 (MANE Select); coding-DNA position 4507, A replaced by G.
Protein change: p.Lys1503Glu; replaces lysine 1503 with glutamic acid.
Molecular consequence: missense variant. On other transcripts: non-coding transcript variant (1).
Genome position (GRCh38, 1-based): chr19:11,058,337, A>G. VCF-style: chr19-11058337-A-G. GRCh37 (hg19) VCF-style: chr19-11169013-A-G.
Other names: c.4507A>G, p.Lys1503Glu (NM_001128844.3); c.4417A>G, p.Lys1473Glu (NM_001128845.2); c.4414A>G, p.Lys1472Glu (NM_001128846.2); c.4408A>G, p.Lys1470Glu (NM_001128847.4, NM_001374457.1); c.4405A>G, p.Lys1469Glu (NM_001128848.2); c.4603A>G, p.Lys1535Glu (NM_001128849.3, NM_001387283.1); c.4504A>G, p.Lys1502Glu (NM_001411150.1); short protein forms K1472E, K1473E, K1503E, K1469E, K1470E, K1502E, K1535E.
Identifiers: ClinVar variation 2764878 (VCV002764878.3), dbSNP rs2515765482, ClinGen allele CA404077816.